The following is an entry in ClinVar:

ClinVar aggregate classification (germline): Benign (1 of 4 stars; one submission).

Allele frequency attached by ClinVar (database versions not stated): gnomAD 0.19694 and 0.19846; 1000 Genomes Project 30x 0.14959; 1000 Genomes Project 0.15216; TOPMed 0.18935.
gnomAD v4.1: 30,027 of 152,134 alleles (20%); highest among the groups gnomAD compares: Middle Eastern, 30%; 3,627 homozygotes.

Submissions (13):

GeneDx
Classification: Benign. Last evaluated: 2018-06-14. Review status: criteria provided, single submitter. Criteria: GeneDx Variant Classification (06012015). Collection method: clinical testing. Allele origin: germline. Affected: yes.
Comment: This variant is considered likely benign or benign based on one or more of the following criteria: it is a conservative change, it occurs at a poorly conserved position in the protein, it is predicted to be benign by multiple in silico algorithms, and/or has population frequency not consistent with disease.

Dr. Peter K. Rogan Lab, Western University
No classification provided (evidence only). Condition: Lung cancer. Review status: no classification provided. Collection method: in vitro. Allele origin: not applicable. Functional consequence: retained intron. Not counted in ClinVar's aggregate classification.

Dr. Peter K. Rogan Lab, Western University
No classification provided (evidence only). Condition: Lung cancer. Review status: no classification provided. Collection method: in vitro. Allele origin: not applicable. Functional consequence: retained intron. Not counted in ClinVar's aggregate classification.

Dr. Peter K. Rogan Lab, Western University
No classification provided (evidence only). Condition: Lung cancer. Review status: no classification provided. Collection method: in vitro. Allele origin: not applicable. Functional consequence: retained intron. Not counted in ClinVar's aggregate classification.

Dr. Peter K. Rogan Lab, Western University
No classification provided (evidence only). Condition: Uterine corpus endometrial carcinoma. Review status: no classification provided. Collection method: in vitro. Allele origin: not applicable. Functional consequence: retained intron. Not counted in ClinVar's aggregate classification.

Dr. Peter K. Rogan Lab, Western University
No classification provided (evidence only). Condition: Uterine corpus endometrial carcinoma. Review status: no classification provided. Collection method: in vitro. Allele origin: not applicable. Functional consequence: retained intron. Not counted in ClinVar's aggregate classification.

Dr. Peter K. Rogan Lab, Western University
No classification provided (evidence only). Condition: Uterine corpus endometrial carcinoma. Review status: no classification provided. Collection method: in vitro. Allele origin: not applicable. Functional consequence: retained intron. Not counted in ClinVar's aggregate classification.

Dr. Peter K. Rogan Lab, Western University
No classification provided (evidence only). Condition: Cervical cancer. Review status: no classification provided. Collection method: in vitro. Allele origin: not applicable. Functional consequence: retained intron. Not counted in ClinVar's aggregate classification.

Dr. Peter K. Rogan Lab, Western University
No classification provided (evidence only). Condition: Cervical cancer. Review status: no classification provided. Collection method: in vitro. Allele origin: not applicable. Functional consequence: retained intron. Not counted in ClinVar's aggregate classification.

Dr. Peter K. Rogan Lab, Western University
No classification provided (evidence only). Condition: Cervical cancer. Review status: no classification provided. Collection method: in vitro. Allele origin: not applicable. Functional consequence: retained intron. Not counted in ClinVar's aggregate classification.

Dr. Peter K. Rogan Lab, Western University
No classification provided (evidence only). Condition: Cervical cancer. Review status: no classification provided. Collection method: in vitro. Allele origin: not applicable. Functional consequence: retained intron. Not counted in ClinVar's aggregate classification.

Dr. Peter K. Rogan Lab, Western University
No classification provided (evidence only). Condition: Gastric cancer. Review status: no classification provided. Collection method: in vitro. Allele origin: not applicable. Functional consequence: retained intron. Not counted in ClinVar's aggregate classification.

Dr. Peter K. Rogan Lab, Western University
No classification provided (evidence only). Condition: Gastric cancer. Review status: no classification provided. Collection method: in vitro. Allele origin: not applicable. Functional consequence: retained intron. Not counted in ClinVar's aggregate classification.

NM_153717.3(EVC):c.1464+236G>T

Gene: EVC (EvC ciliary complex subunit 1; plus strand). Cytogenetic location: 4p16.2.
Variant type: single nucleotide variant.
Coding change: c.1464+236G>T on transcript NM_153717.3 (MANE Select); 236 bases into the intron after coding-DNA position 1464, G replaced by T.
Molecular consequence: intron variant.
Genome position (GRCh38, 1-based): chr4:5,754,169, G>T. VCF-style: chr4-5754169-G-T. GRCh37 (hg19) VCF-style: chr4-5755896-G-T.
Other names: NC_000004.11:g.5755896G>T; c.1464+236G>T (NM_001306090.2, NM_001306092.2).
Identifiers: ClinVar variation 669955 (VCV000669955.2), dbSNP rs9637548, ClinGen allele CA11677334.